The following is an entry in ClinVar:

NM_014423.4(AFF4):c.3320C>A (p.Thr1107Asn)

Gene: AFF4 (ALF transcription elongation factor 4; minus strand). Cytogenetic location: 5q31.1.
Variant type: single nucleotide variant.
Coding change: c.3320C>A on transcript NM_014423.4 (MANE Select); coding-DNA position 3320, C replaced by A.
Protein change: p.Thr1107Asn; replaces threonine 1107 with asparagine.
Molecular consequence: missense variant.
Genome position (GRCh38, 1-based): chr5:132,883,384, G>T on the plus strand (C>A on the coding strand, the complement: AFF4 is on the minus strand). VCF-style: chr5-132883384-G-T. GRCh37 (hg19) VCF-style: chr5-132219076-G-T.
Other names: short protein forms T1107N.
Identifiers: ClinVar variation 4769499 (VCV004769499.1).

ClinVar aggregate classification (germline): Uncertain significance (1 of 4 stars; one submission).

Conditions:
Cognitive impairment - coarse facies - heart defects - obesity - pulmonary involvement - short stature - skeletal dysplasia syndrome. Also called: COGNITIVE IMPAIRMENT, COARSE FACIES, HEART DEFECTS, OBESITY, PULMONARY INVOLVEMENT, SHORT STATURE, AND SKELETAL DYSPLASIA; Chops syndrome; AFF4-Related CHOPS Syndrome. Identifiers: Orphanet 444077, MedGen C4085597, MONDO:0014609, OMIM 616368.

Submission:

Labcorp Genetics (formerly Invitae), Labcorp
Classification: Uncertain significance for Cognitive impairment - coarse facies - heart defects - obesity - pulmonary involvement - short stature - skeletal dysplasia syndrome. Last evaluated: 2025-02-09. Review status: criteria provided, single submitter. Criteria: Invitae Variant Classification Sherloc (09022015). Collection method: clinical testing. Allele origin: germline.
Comment: This sequence change replaces threonine, which is neutral and polar, with asparagine, which is neutral and polar, at codon 1107 of the AFF4 protein (p.Thr1107Asn). This variant is not present in population databases (gnomAD no frequency). This variant has not been reported in the literature in individuals affected with AFF4-related conditions. Invitae Evidence Modeling of protein sequence and biophysical properties (such as structural, functional, and spatial information, amino acid conservation, physicochemical variation, residue mobility, and thermodynamic stability) has been performed for this missense variant. However, the output from this modeling did not meet the statistical confidence thresholds required to predict the impact of this variant on AFF4 protein function. In summary, the available evidence is currently insufficient to determine the role of this variant in disease. Therefore, it has been classified as a Variant of Uncertain Significance.